The following is an entry in ClinVar:

NM_001065.4(TNFRSF1A):c.901C>T (p.Pro301Ser)

Gene: TNFRSF1A (TNF receptor superfamily member 1A; minus strand). Cytogenetic location: 12p13.31.
Variant type: single nucleotide variant.
Coding change: c.901C>T on transcript NM_001065.4 (MANE Select); coding-DNA position 901, C replaced by T.
Protein change: p.Pro301Ser; replaces proline 301 with serine.
Molecular consequence: missense variant. On other transcripts: non-coding transcript variant (1).
Genome position (GRCh38, 1-based): chr12:6,329,934, G>A on the plus strand (C>T on the coding strand, the complement: TNFRSF1A is on the minus strand). VCF-style: chr12-6329934-G-A. GRCh37 (hg19) VCF-style: chr12-6439100-G-A.
Other names: c.577C>T, p.Pro193Ser (NM_001346091.2); c.442C>T, p.Pro148Ser (NM_001346092.2); short protein forms P193S, P301S, P148S.
Identifiers: ClinVar variation 2800404 (VCV002800404.3), dbSNP rs1240144147, ClinGen allele CA383545934.

ClinVar aggregate classification (germline): Uncertain significance (1 of 4 stars; one submission).

Conditions:
TNF receptor-associated periodic fever syndrome (TRAPS) (FPF). Also called: FAMILIAL HIBERNIAN FEVER; TNF RECEPTOR-ASSOCIATED PERIODIC SYNDROME; TUMOR NECROSIS FACTOR RECEPTOR-ASSOCIATED PERIODIC SYNDROME; Autosomal Dominant Familial Periodic Fever; TNF Receptor-Associated Periodic Fever Syndrome; TNF receptor 1-associated periodic fever syndrome. Identifiers: Orphanet 32960, MedGen C1275126, MONDO:0007727, OMIM 142680.

Allele frequency attached by ClinVar (database versions not stated): gnomAD exomes below 0.00001.
gnomAD v4.1: 1 of 1,571,026 alleles (0.000064%); highest among the groups gnomAD compares: Admixed American, 0.0019%; no homozygotes.

Submission:

Labcorp Genetics (formerly Invitae), Labcorp
Classification: Uncertain significance for TNF receptor-associated periodic fever syndrome (TRAPS). Last evaluated: 2024-05-19. Review status: criteria provided, single submitter. Criteria: Invitae Variant Classification Sherloc (09022015). Collection method: clinical testing. Allele origin: germline.
Comment: This sequence change replaces proline, which is neutral and non-polar, with serine, which is neutral and polar, at codon 301 of the TNFRSF1A protein (p.Pro301Ser). The frequency data for this variant in the population databases is considered unreliable, as metrics indicate poor data quality at this position in the gnomAD database. This variant has not been reported in the literature in individuals affected with TNFRSF1A-related conditions. Algorithms developed to predict the effect of missense changes on protein structure and function output the following: SIFT: "Not Available"; PolyPhen-2: "Benign"; Align-GVGD: "Not Available". The serine amino acid residue is found in multiple mammalian species, which suggests that this missense change does not adversely affect protein function. In summary, the available evidence is currently insufficient to determine the role of this variant in disease. Therefore, it has been classified as a Variant of Uncertain Significance.